The following is an entry in ClinVar:

NM_078480.3(PUF60):c.123dup (p.Ile42fs)

Gene: PUF60 (poly(U) binding splicing factor 60; minus strand). Cytogenetic location: 8q24.3.
Variant type: Duplication.
Coding change: c.123dup on transcript NM_078480.3 (MANE Select); coding-DNA position 123, one base duplicated (C; older notation c.123dupC).
Protein change: p.Ile42fs; shifts the reading frame from isoleucine 42.
Molecular consequence: frameshift variant. On other transcripts: 5 prime UTR variant (2).
Genome position (GRCh38, 1-based): chr8:143,821,902, G duplicated on the plus strand (C on the coding strand, the reverse complement: PUF60 is on the minus strand); the first of 2 consecutive G bases (chr8:143,821,902-143,821,903); duplicating either gives the same sequence. VCF-style (leftmost placement, unchanged base first): chr8-143821901-T-TG. GRCh37 (hg19) VCF-style: chr8-144904071-T-TG.
Other names: c.-7dup (NM_001136033.3, NM_001271100.2); c.120dup, p.Ile41fs (NM_001271096.2, NM_001271098.2); c.36dup, p.Ile13fs (NM_001271097.2, NM_001271099.2); c.234dup, p.Ile79fs (NM_001362895.2, NM_001362896.2, NM_001362897.2); c.123dup, p.Ile42fs (NM_014281.5); short protein forms I13fs, I41fs, I42fs, I79fs.
Identifiers: ClinVar variation 2429386 (VCV002429386.3), dbSNP rs2538896927, ClinGen allele CA2580078747.

ClinVar aggregate classification (germline): Likely pathogenic (1 of 4 stars; one submission).

Submission:

Illumina Laboratory Services, Illumina
Classification: Likely pathogenic. Last evaluated: 2022-09-05. Review status: criteria provided, single submitter. Criteria: ICSL CNVClassificationCriteria Aug2020. Collection method: clinical testing. Allele origin: unknown. Affected: yes.
Comment: The PUF60 c.123dup (p.Ile42HisfsTer81) variant results in the duplication of a nucleotide at position c.123 causing a shift in the protein reading frame that is predicted to result in premature termination of the protein. Loss of normal protein function through either protein truncation or nonsense-mediated mRNA decay is expected. To our knowledge, this variant has not been reported in the peer-reviewed literature. This variant is not found in version 2.1.1 or version 3.1.2 of the Genome Aggregation Database. Based on the available evidence, the c.123dup (p.Ile42HisfsTer81) variant is classified as likely pathogenic for Verheij syndrome.